The following is an entry in ClinVar:

ClinVar aggregate classification (germline): Uncertain significance (1 of 4 stars; one submission).

gnomAD v4.1: 2 of 1,551,700 alleles (0.00013%); highest among the groups gnomAD compares: Non-Finnish European, 0.00017%; no homozygotes.

Submission:

Labcorp Genetics (formerly Invitae), Labcorp
Classification: Uncertain significance. Last evaluated: 2023-03-17. Review status: criteria provided, single submitter. Criteria: Invitae Variant Classification Sherloc (09022015). Collection method: clinical testing. Allele origin: germline.
Comment: This variant is not present in population databases (gnomAD no frequency). This variant has not been reported in the literature in individuals affected with DTHD1-related conditions. ClinVar contains an entry for this variant (Variation ID: 943440). Algorithms developed to predict the effect of sequence changes on RNA splicing suggest that this variant may disrupt the consensus splice site. In summary, the available evidence is currently insufficient to determine the role of this variant in disease. Therefore, it has been classified as a Variant of Uncertain Significance. This sequence change affects codon 312 of the DTHD1 mRNA. It is a 'silent' change, meaning that it does not change the encoded amino acid sequence of the DTHD1 protein.

NM_001170700.3(DTHD1):c.1806G>A (p.Arg602=)

Gene: DTHD1 (death domain containing 1; plus strand). Cytogenetic location: 4p14.
Variant type: single nucleotide variant.
Coding change: c.1806G>A on transcript NM_001170700.3 (MANE Select); coding-DNA position 1806, G replaced by A.
Protein change: p.Arg602=; no amino-acid change (arginine 602 retained).
Molecular consequence: synonymous variant. On other transcripts: non-coding transcript variant (2).
Genome position (GRCh38, 1-based): chr4:36,308,204, G>A. VCF-style: chr4-36308204-G-A. GRCh37 (hg19) VCF-style: chr4-36309826-G-A.
Other names: c.936G>A, p.Arg312= (NM_001136536.5); c.873G>A, p.Arg291= (NM_001378435.1).
Identifiers: ClinVar variation 943440 (VCV000943440.9), dbSNP rs1757167801, ClinGen allele CA439144684.